The following is an entry in ClinVar:

ClinVar aggregate classification (germline): Uncertain significance (1 of 4 stars; one submission).

Conditions:
Symmetrical dyschromatosis of extremities (DSH). Also called: DYSCHROMATOSIS SYMMETRICA HEREDITARIA 1; Dyschromatosis symmetrica hereditaria; RETICULATE ACROPIGMENTATION OF DOHI; SYMMETRIC DYSCHROMATOSIS OF THE EXTREMITIES. Identifiers: Orphanet 41, MedGen C0406775, MONDO:0007483, OMIM 127400.
Aicardi-Goutieres syndrome 6 (AGS6). Identifiers: Orphanet 51, MedGen C3539013, MONDO:0014007, OMIM 615010.

Submission:

Labcorp Genetics (formerly Invitae), Labcorp
Classification: Uncertain significance for Aicardi-Goutieres syndrome 6; Symmetrical dyschromatosis of extremities. Last evaluated: 2022-07-03. Review status: criteria provided, single submitter. Criteria: Invitae Variant Classification Sherloc (09022015). Collection method: clinical testing. Allele origin: germline.
Comment: In summary, the available evidence is currently insufficient to determine the role of this variant in disease. Therefore, it has been classified as a Variant of Uncertain Significance. Algorithms developed to predict the effect of missense changes on protein structure and function output the following: SIFT: "Deleterious"; PolyPhen-2: "Not Available"; Align-GVGD: "Class C0". The arginine amino acid residue is found in multiple mammalian species, which suggests that this missense change does not adversely affect protein function. This variant has not been reported in the literature in individuals affected with ADAR-related conditions. This variant is not present in population databases (gnomAD no frequency). This sequence change replaces serine, which is neutral and polar, with arginine, which is basic and polar, at codon 257 of the ADAR protein (p.Ser257Arg).

NM_001111.5(ADAR):c.769A>C (p.Ser257Arg)

Gene: ADAR (adenosine deaminase RNA specific; minus strand). Cytogenetic location: 1q21.3.
Variant type: single nucleotide variant.
Coding change: c.769A>C on transcript NM_001111.5 (MANE Select); coding-DNA position 769, A replaced by C.
Protein change: p.Ser257Arg; replaces serine 257 with arginine.
Molecular consequence: missense variant. On other transcripts: 5 prime UTR variant (6).
Genome position (GRCh38, 1-based): chr1:154,601,873, T>G on the plus strand (A>C on the coding strand, the complement: ADAR is on the minus strand). VCF-style: chr1-154601873-T-G. GRCh37 (hg19) VCF-style: chr1-154574349-T-G.
Other names: c.-117A>C (NM_001025107.3, NM_001193495.2, NM_001365046.1 and 3 more transcripts); c.796A>C, p.Ser266Arg (NM_001365045.1); c.769A>C, p.Ser257Arg (NM_015840.4, NM_015841.4); short protein forms S266R, S257R.
Identifiers: ClinVar variation 2013569 (VCV002013569.4), dbSNP rs2526659365, ClinGen allele CA342600079.